The following is an entry in ClinVar:

ClinVar aggregate classification (germline): Benign. Review status: criteria provided, multiple submitters, no conflicts (2 of 4 stars). 3 submissions from 3 submitters: Benign (3). Last evaluated 2021-06-09.

Allele frequency attached by ClinVar (database versions not stated): gnomAD exomes 0.22130 and 0.28210; gnomAD 0.22366 and 0.22868; ExAC 0.26183.
gnomAD v4.1: 275,208 of 1,234,076 alleles (22%); highest among the groups gnomAD compares: East Asian, 59%; 73,240 homozygotes.

Submissions (3):

GeneDx
Classification: Benign. Last evaluated: 2021-06-09. Review status: criteria provided, single submitter. Criteria: GeneDx Variant Classification Process June 2021. Collection method: clinical testing. Allele origin: germline. Affected: yes.

Laboratory for Molecular Medicine, Mass General Brigham Personalized Medicine
Classification: Benign. Last evaluated: 2016-03-28. Review status: criteria provided, single submitter. Criteria: LMM Criteria. Collection method: clinical testing. Allele origin: germline.
Comment: Variant identified in a genome or exome case(s) and assessed due to predicted null impact of the variant or pathogenic assertions in the literature or databases. Disclaimer: This variant has not undergone full assessment. The following are preliminary notes: Frequency

Breakthrough Genomics
Classification: Benign. Review status: criteria provided, single submitter. Criteria: ACMG Guidelines, 2015. Collection method: not provided. Allele origin: germline. Inheritance: Autosomal dominant inheritance. Affected: yes.

NM_002458.3(MUC5B):c.6521A>G (p.Asn2174Ser)

Genes: MUC5B (mucin 5B, oligomeric mucus/gel-forming; plus strand), MUC5B-AS1 (MUC5B antisense RNA 1; minus strand). Cytogenetic location: 11p15.5.
Variant type: single nucleotide variant.
Coding change: c.6521A>G on transcript NM_002458.3 (MANE Select); coding-DNA position 6521, A replaced by G.
Protein change: p.Asn2174Ser; replaces asparagine 2174 with serine.
Molecular consequence: missense variant.
Genome position (GRCh38, 1-based): chr11:1,243,401, A>G. VCF-style: chr11-1243401-A-G. GRCh37 (hg19) VCF-style: chr11-1264631-A-G.
Other names: short protein forms N2174S.
Identifiers: ClinVar variation 403136 (VCV000403136.8), dbSNP rs56726556, ClinGen allele CA5806031.